The following is an entry in ClinVar:

NM_000219.6(KCNE1):c.131C>G (p.Ala44Gly)

Gene: KCNE1 (potassium voltage-gated channel subfamily E regulatory subunit 1; minus strand). Cytogenetic location: 21q22.12.
Variant type: single nucleotide variant.
Coding change: c.131C>G on transcript NM_000219.6 (MANE Select); coding-DNA position 131, C replaced by G.
Protein change: p.Ala44Gly; replaces alanine 44 with glycine.
Molecular consequence: missense variant.
Genome position (GRCh38, 1-based): chr21:34,449,504, G>C on the plus strand (C>G on the coding strand, the complement: KCNE1 is on the minus strand). VCF-style: chr21-34449504-G-C. GRCh37 (hg19) VCF-style: chr21-35821802-G-C.
Other names: c.131C>G, p.Ala44Gly (NM_001127668.4, NM_001127669.4, NM_001127670.4 and 4 more transcripts); short protein forms A44G.
Identifiers: ClinVar variation 3374128 (VCV003374128.2).

Conditions:
Long QT syndrome 5 (LQT5). Identifiers: Orphanet 101016, Orphanet 768, MedGen C1867904, MONDO:0013372, OMIM 613695.

Submission:

Roden Lab, Vanderbilt University Medical Center
No classification provided (evidence only). Condition: Long QT syndrome 5. Review status: no classification provided. Collection method: in vitro. Allele origin: not applicable. Functional consequence: Effect on ion channel function.
ClinVar note: "not provided" was previously submitted as the classification for the variant. However, the classification appeared to be based only on an observation of functional data so it was converted to no classification on 2025-07-30.